The following is an entry in ClinVar:

NM_000053.4(ATP7B):c.2520A>G (p.Pro840=)

Gene: ATP7B (ATPase copper transporting beta; minus strand). Cytogenetic location: 13q14.3.
Variant type: single nucleotide variant.
Coding change: c.2520A>G on transcript NM_000053.4 (MANE Select); coding-DNA position 2520, A replaced by G.
Protein change: p.Pro840=; no amino-acid change (proline 840 retained).
Molecular consequence: synonymous variant. On other transcripts: intron variant (1).
Genome position (GRCh38, 1-based): chr13:51,950,327, T>C on the plus strand (A>G on the coding strand, the complement: ATP7B is on the minus strand). VCF-style: chr13-51950327-T-C. GRCh37 (hg19) VCF-style: chr13-52524463-T-C.
Other names: c.2034A>G, p.Pro678= (NM_001005918.3, NM_001406541.1, NM_001406542.1 and 1 more transcripts); c.2187A>G, p.Pro729= (NM_001243182.2); c.2286A>G, p.Pro762= (NM_001330578.2, NM_001406527.1, NM_001406528.1 and 2 more transcripts); c.2268A>G, p.Pro756= (NM_001330579.2, NM_001406531.1, NM_001406532.1 and 1 more transcripts); c.2520A>G, p.Pro840= (NM_001406511.1, NM_001406512.1, NM_001406513.1 and 7 more transcripts); c.2487A>G, p.Pro829= (NM_001406514.1); c.2424A>G, p.Pro808= (NM_001406517.1, NM_001406518.1); c.2376A>G, p.Pro792= (NM_001406520.1, NM_001406521.1, NM_001406522.1 and 1 more transcripts); and 8 more.
Identifiers: ClinVar variation 3387666 (VCV003387666.1).
Genomic context (GRCh38, chr13:51,950,327, plus strand): 5'-CTCACCTGTGATGAGGGACTCATCAGCCATGGTATTGCCTTCCAGGACTTTCCCATCCAC[T>C]GGAAACTTTCCCCCAGGGACCACCTTGACGATATCGCCCCGCTGCACCAGCTCCATGGGG-3'
Protein context (NP_000044.2, residues 830-850): IVKVVPGGKF[Pro840=]VDGKVLEGNT

ClinVar aggregate classification (germline): Likely benign (1 of 4 stars; one submission).

Conditions:
Wilson disease (WND). Also called: Wilson's disease. Identifiers: Orphanet 905, MedGen C0019202, MONDO:0010200, OMIM 277900. Disease mechanism: loss of function.

gnomAD v4.1: 5 of 1,614,138 alleles (0.00031%); highest among the groups gnomAD compares: South Asian, 0.0011%; no homozygotes.

Submission:

All of Us Research Program, National Institutes of Health
Classification: Likely benign for Wilson disease. Last evaluated: 2024-08-13. Review status: criteria provided, single submitter. Criteria: ACMG Guidelines, 2015. Collection method: clinical testing. Allele origin: germline. Inheritance: Autosomal recessive inheritance. Observed: 1 variant allele, 1 heterozygote.
Comment: This study involves interpretation of variants in research participants for the purpose of population health screening. Participant phenotype was not available at the time of variant classification. Additional details can be found in publication PMID: 35346344, PMCID: PMC8962531